The following is an entry in ClinVar:

ClinVar aggregate classification (germline): Uncertain significance (1 of 4 stars; one submission).

Conditions:
Immunodeficiency, common variable, 2 (CVID2). Also called: ANTIBODY DEFICIENCY DUE TO TACI DEFECT; HYPOGAMMAGLOBULINEMIA DUE TO TACI DEFICIENCY. Identifiers: Orphanet 1572, MedGen C3150354, MONDO:0009413, OMIM 240500.

Allele frequency attached by ClinVar (database versions not stated): gnomAD 0.00001.

Submission:

Labcorp Genetics (formerly Invitae), Labcorp
Classification: Uncertain significance for Immunodeficiency, common variable, 2. Last evaluated: 2025-10-07. Review status: criteria provided, single submitter. Criteria: Invitae Variant Classification Sherloc (09022015). Collection method: clinical testing. Allele origin: germline.
Comment: This sequence change replaces arginine, which is basic and polar, with serine, which is neutral and polar, at codon 189 of the TNFRSF13B protein (p.Arg189Ser). This variant is present in population databases (no rsID available, gnomAD 0.006%). This variant has not been reported in the literature in individuals affected with TNFRSF13B-related conditions. ClinVar contains an entry for this variant (Variation ID: 661773). Invitae Evidence Modeling of protein sequence and biophysical properties (such as structural, functional, and spatial information, amino acid conservation, physicochemical variation, residue mobility, and thermodynamic stability) indicates that this missense variant is not expected to disrupt TNFRSF13B protein function with a negative predictive value of 95%. In summary, the available evidence is currently insufficient to determine the role of this variant in disease. Therefore, it has been classified as a Variant of Uncertain Significance.

NM_012452.3(TNFRSF13B):c.567G>C (p.Arg189Ser)

Gene: TNFRSF13B (TNF receptor superfamily member 13B; minus strand). Cytogenetic location: 17p11.2.
Variant type: single nucleotide variant.
Coding change: c.567G>C on transcript NM_012452.3 (MANE Select); coding-DNA position 567, G replaced by C.
Protein change: p.Arg189Ser; replaces arginine 189 with serine.
Molecular consequence: missense variant.
Genome position (GRCh38, 1-based): chr17:16,940,390, C>G on the plus strand (G>C on the coding strand, the complement: TNFRSF13B is on the minus strand). VCF-style: chr17-16940390-C-G. GRCh37 (hg19) VCF-style: chr17-16843704-C-G.
Other names: short protein forms R189S.
Identifiers: ClinVar variation 661773 (VCV000661773.5), dbSNP rs370856157, ClinGen allele CA398519484.